The following is an entry in ClinVar:

NM_013339.4(ALG6):c.563T>A (p.Leu188Gln)

Gene: ALG6 (ALG6 alpha-1,3-glucosyltransferase; plus strand). Cytogenetic location: 1p31.3.
Variant type: single nucleotide variant.
Coding change: c.563T>A on transcript NM_013339.4 (MANE Select); coding-DNA position 563, T replaced by A.
Protein change: p.Leu188Gln; replaces leucine 188 with glutamine.
Molecular consequence: missense variant.
Genome position (GRCh38, 1-based): chr1:63,411,214, T>A. VCF-style: chr1-63411214-T-A. GRCh37 (hg19) VCF-style: chr1-63876885-T-A.
Other names: short protein forms L188Q.
Identifiers: ClinVar variation 1482557 (VCV001482557.3), dbSNP rs1446317739, ClinGen allele CA340634983.

ClinVar aggregate classification (germline): Uncertain significance (1 of 4 stars; one submission).

Conditions:
ALG6-congenital disorder of glycosylation 1C (CDG1C). Also called: CARBOHYDRATE-DEFICIENT GLYCOPROTEIN SYNDROME, TYPE I, WITH DEFICIENT GLYCOSYLATION OF DOLICHOL-LINKED OLIGOSACCHARIDE; CARBOHYDRATE-DEFICIENT GLYCOPROTEIN SYNDROME, TYPE V; Congenital disorder of glycosylation type 1C; Congenital disorder of glycosylation, type Ic; CDG Ic. Identifiers: Orphanet 79320, MedGen C2930997, MONDO:0011291, OMIM 603147.

Allele frequency attached by ClinVar (database versions not stated): TOPMed below 0.00001.

Submission:

Labcorp Genetics (formerly Invitae), Labcorp
Classification: Uncertain significance for ALG6-congenital disorder of glycosylation 1C. Last evaluated: 2022-08-23. Review status: criteria provided, single submitter. Criteria: Invitae Variant Classification Sherloc (09022015). Collection method: clinical testing. Allele origin: germline.
Comment: This sequence change replaces leucine, which is neutral and non-polar, with glutamine, which is neutral and polar, at codon 188 of the ALG6 protein (p.Leu188Gln). This variant is present in population databases (no rsID available, gnomAD 0.01%). This variant has not been reported in the literature in individuals affected with ALG6-related conditions. ClinVar contains an entry for this variant (Variation ID: 1482557). Algorithms developed to predict the effect of missense changes on protein structure and function are either unavailable or do not agree on the potential impact of this missense change (SIFT: "Deleterious"; PolyPhen-2: "Probably Damaging"; Align-GVGD: "Class C0"). In summary, the available evidence is currently insufficient to determine the role of this variant in disease. Therefore, it has been classified as a Variant of Uncertain Significance.